The following is an entry in ClinVar:

NM_005560.6(LAMA5):c.9806G>A (p.Arg3269Gln)

Gene: LAMA5 (laminin subunit alpha 5; minus strand). Cytogenetic location: 20q13.33.
Variant type: single nucleotide variant.
Coding change: c.9806G>A on transcript NM_005560.6 (MANE Select); coding-DNA position 9806, G replaced by A.
Protein change: p.Arg3269Gln; replaces arginine 3269 with glutamine.
Molecular consequence: missense variant.
Genome position (GRCh38, 1-based): chr20:62,311,614, C>T on the plus strand (G>A on the coding strand, the complement: LAMA5 is on the minus strand). VCF-style: chr20-62311614-C-T. GRCh37 (hg19) VCF-style: chr20-60886670-C-T.
Other names: short protein forms R3269Q.
Identifiers: ClinVar variation 3289995 (VCV003289995.1).
Genomic context (GRCh38, chr20:62,311,614, plus strand): 5'-GCGGTCAGCAGCTGCGGAAGGCCAGCTGGGACCTTGTCCCCCAGCGCCCACCAGGCTCAC[C>T]GCTGCACGAAGACGTTGCTGATGCAGCCACTGAAGTTGTAAATGGTGCCAGACTCAGGCA-3'
Protein context (NP_005551.3, residues 3259-3279): SGCISNVFVQ[Arg3269Gln]LLGPQRVFDL

ClinVar aggregate classification (germline): Uncertain significance (1 of 4 stars; one submission).

Conditions:
Inborn genetic diseases. Identifiers: MedGen C0950123, MeSH D030342.

gnomAD v4.1: 42 of 1,605,914 alleles (0.0026%); highest among the groups gnomAD compares: East Asian, 0.016%; no homozygotes.

Submission:

Ambry Genetics
Classification: Uncertain significance for Inborn genetic diseases. Last evaluated: 2024-06-24. Review status: criteria provided, single submitter. Criteria: Ambry Variant Classification Scheme 2023. Collection method: clinical testing. Allele origin: germline.
Comment: Occurs in the last base pair of the exon Based on insufficient or conflicting evidence, the clinical significance of this alteration remains unclear.